The following is an entry in ClinVar:

NM_001127453.2(GSDME):c.834G>A (p.Gln278=)

Gene: GSDME (gasdermin E; minus strand). Cytogenetic location: 7p15.3.
Variant type: single nucleotide variant.
Coding change: c.834G>A on transcript NM_001127453.2 (MANE Select); coding-DNA position 834, G replaced by A.
Protein change: p.Gln278=; no amino-acid change (glutamine 278 retained).
Molecular consequence: synonymous variant.
Genome position (GRCh38, 1-based): chr7:24,710,252, C>T on the plus strand (G>A on the coding strand, the complement: GSDME is on the minus strand). VCF-style: chr7-24710252-C-T. GRCh37 (hg19) VCF-style: chr7-24749871-C-T.
Other names: c.342G>A, p.Gln114= (NM_001127454.2, NM_001438059.1); c.834G>A, p.Gln278= (NM_004403.3).
Identifiers: ClinVar variation 4978608 (VCV004978608.1).

ClinVar aggregate classification (germline): Likely benign (1 of 4 stars; one submission).

Conditions:
GSDME-related disorder. Also called: GSDME-related condition.

gnomAD v4.1: 12 of 1,614,020 alleles (0.00074%); highest among the groups gnomAD compares: Admixed American, 0.02%; no homozygotes.

Submission:

PreventionGenetics, part of Exact Sciences
Classification: Likely benign for GSDME-related condition. Last evaluated: 2026-05-17. Review status: criteria provided, single submitter. Criteria: ACMG Guidelines, 2015. Collection method: clinical testing. Allele origin: germline.
Comment: This variant is classified as likely benign based on ACMG/AMP sequence variant interpretation guidelines (Richards et al. 2015 PMID: 25741868, with internal and published modifications).